The following is an entry in ClinVar:

ClinVar aggregate classification (germline): Conflicting classifications of pathogenicity. Review status: criteria provided, conflicting classifications (1 of 4 stars). 5 submissions from 3 submitters: Uncertain significance (2); Likely benign (3). Last evaluated 2024-07-10.

Conditions:
Hereditary spherocytosis type 4. Also called: SLC4A1-Related Spherocytosis. Identifiers: Orphanet 822, MedGen C2675212, MONDO:0012981, OMIM 612653.
Hemolytic anemia. Identifiers: MedGen C0002878, MONDO:0003664, HP:0001878.
Autosomal dominant distal renal tubular acidosis (DRTA1). Also called: RENAL TUBULAR ACIDOSIS, DISTAL, 1; Renal Tubular Acidosis, Type I; RTA, CLASSIC TYPE; RTA, DISTAL TYPE, AUTOSOMAL DOMINANT; RTA, GRADIENT TYPE. Identifiers: Orphanet 93608, MedGen CN280572, MONDO:0008368, OMIM 179800.

Allele frequency attached by ClinVar (database versions not stated): ExAC 0.00002; gnomAD 0.00002; gnomAD exomes 0.00002; TOPMed 0.00002.
gnomAD v4.1: 35 of 1,614,102 alleles (0.0022%); highest among the groups gnomAD compares: Admixed American, 0.0033%; no homozygotes.

Submissions (5):

Blueprint Genetics
Classification: Likely benign. Last evaluated: 2024-07-10. Review status: criteria provided, single submitter. Criteria: ACMG Guidelines, 2015. Collection method: clinical testing. Allele origin: germline.

Labcorp Genetics (formerly Invitae), Labcorp
Classification: Likely benign. Last evaluated: 2022-09-28. Review status: criteria provided, single submitter. Criteria: Invitae Variant Classification Sherloc (09022015). Collection method: clinical testing. Allele origin: germline.

Illumina Laboratory Services, Illumina
Classification: Uncertain significance for Hemolytic anemia. Last evaluated: 2018-01-12. Review status: criteria provided, single submitter. Criteria: ICSL Variant Classification Criteria 13 December 2019. Collection method: clinical testing. Allele origin: germline.

Illumina Laboratory Services, Illumina
Classification: Likely benign for Autosomal dominant distal renal tubular acidosis. Last evaluated: 2018-01-12. Review status: criteria provided, single submitter. Criteria: ICSL Variant Classification Criteria 13 December 2019. Collection method: clinical testing. Allele origin: germline.
Comment: This variant was observed in the ICSL laboratory as part of a predisposition screen in an ostensibly healthy population. It had not been previously curated by ICSL or reported in the Human Gene Mutation Database (HGMD: prior to June 1st, 2018), and was therefore a candidate for classification through an automated scoring system. Utilizing variant allele frequency, disease prevalence and penetrance estimates, and inheritance mode, an automated score was calculated to assess if this variant is too frequent to cause the disease. Based on the score and internal cut-off values, a variant classified as likely benign is not then subjected to further curation. The score for this variant resulted in a classification of likely benign for this disease.

Illumina Laboratory Services, Illumina
Classification: Uncertain significance for Hereditary spherocytosis type 4. Last evaluated: 2018-01-12. Review status: criteria provided, single submitter. Criteria: ICSL Variant Classification Criteria 13 December 2019. Collection method: clinical testing. Allele origin: germline.

NM_000342.4(SLC4A1):c.2547G>A (p.Val849=)

Gene: SLC4A1 (solute carrier family 4 member 1 (Diego blood group); minus strand). Cytogenetic location: 17q21.31.
Variant type: single nucleotide variant.
Coding change: c.2547G>A on transcript NM_000342.4 (MANE Select); coding-DNA position 2547, G replaced by A.
Protein change: p.Val849=; no amino-acid change (valine 849 retained).
Molecular consequence: synonymous variant.
Genome position (GRCh38, 1-based): chr17:44,251,267, C>T on the plus strand (G>A on the coding strand, the complement: SLC4A1 is on the minus strand). VCF-style: chr17-44251267-C-T. GRCh37 (hg19) VCF-style: chr17-42328635-C-T.
Identifiers: ClinVar variation 891836 (VCV000891836.9), dbSNP rs753357599, ClinGen allele CA8600000.
Genomic context (GRCh38, chr17:44,251,267, plus strand): 5'-CAGCGGCACAGTGAGGATGAGGACGAAGGGCAGGGCCAGGGAGGCCGGCGTGGACTTCAC[C>T]ACCCACAGCACTGCCAGGCAGATGATCTGGATGCCCGTGAATAAGTGCATGCGCCAGGTC-3'
Protein context (NP_000333.1, residues 839-859): IQIICLAVLW[Val849=]VKSTPASLAL